The following is an entry in ClinVar:

ClinVar aggregate classification (germline): Benign/Likely benign. Review status: criteria provided, multiple submitters, no conflicts (2 of 4 stars). 2 submissions from 2 submitters: Benign (1); Likely benign (1). Last evaluated 2026-05-06.

Conditions:
Colorectal cancer, hereditary nonpolyposis, type 7. Identifiers: Orphanet 144, MedGen C1858380, MONDO:0013725, OMIM 614385.

Submissions (2):

Myriad Genetics, Inc.
Classification: Benign for Colorectal cancer, hereditary nonpolyposis, type 7. Last evaluated: 2026-05-06. Review status: criteria provided, single submitter. Criteria: Myriad Autosomal Dominant, Autosomal Recessive and X-Linked Classification Criteria (2023). Collection method: clinical testing. Allele origin: unknown.
Comment: This variant is considered benign. This variant is a silent/synonymous amino acid change and it is not expected to impact splicing.

Ambry Genetics
Classification: Likely benign. Last evaluated: 2022-11-06. Review status: criteria provided, single submitter. Criteria: Ambry Variant Classification Scheme 2023. Collection method: clinical testing. Allele origin: germline.

NM_001040108.2(MLH3):c.4203G>T (p.Leu1401=)

Gene: MLH3 (mutL homolog 3; minus strand). Cytogenetic location: 14q24.3.
Variant type: single nucleotide variant.
Coding change: c.4203G>T on transcript NM_001040108.2 (MANE Select); coding-DNA position 4203, G replaced by T.
Protein change: p.Leu1401=; no amino-acid change (leucine 1401 retained).
Molecular consequence: synonymous variant.
Genome position (GRCh38, 1-based): chr14:75,018,868, C>A on the plus strand (G>T on the coding strand, the complement: MLH3 is on the minus strand). VCF-style: chr14-75018868-C-A. GRCh37 (hg19) VCF-style: chr14-75485571-C-A.
Other names: c.4131G>T, p.Leu1377= (NM_014381.3).
Identifiers: ClinVar variation 2448597 (VCV002448597.3), dbSNP rs2139296333, ClinGen allele CA487174998.